The following is an entry in ClinVar:

ClinVar aggregate classification (germline): Pathogenic/Likely pathogenic. Review status: criteria provided, multiple submitters, no conflicts (2 of 4 stars). 7 submissions from 7 submitters: Pathogenic (6); Likely pathogenic (1). Last evaluated 2025-07-29.

Conditions:
Bardet-Biedl syndrome 14 (BBS14). Identifiers: Orphanet 110, MedGen C2673874, MONDO:0014442, OMIM 615991.
CEP290-related ciliopathy. Also called: CEP290 ciliopathy. Identifiers: MedGen CN305601, MONDO:0100451.
CEP290-related disorder. Also called: CEP290-related condition; CEP290-related disorders. Identifiers: MedGen CN239314.
Meckel-Gruber syndrome. Also called: DYSENCEPHALIA SPLANCHNOCYSTICA; Dysencephalia splachnocystica; GRUBER SYNDROME. Identifiers: Orphanet 564, MedGen C0265215, MONDO:0018921.
Joubert syndrome. Also called: JOUBERT-BOLTSHAUSER SYNDROME; Familial aplasia of the vermis. Identifiers: Orphanet 475, MedGen C5979921, MONDO:0018772.
Nephronophthisis. Also called: Juvenile Nephronophthisis. Identifiers: Orphanet 655, MedGen C0687120, MONDO:0019005, HP:0000090.
Senior-Loken syndrome 6 (SLSN6). Identifiers: Orphanet 3156, MedGen C1857779, MONDO:0012433, OMIM 610189.
Leber congenital amaurosis 10 (LCA10). Identifiers: Orphanet 65, MedGen C1857821, MONDO:0012723, OMIM 611755.
Joubert syndrome 5 (JBTS5). Identifiers: Orphanet 2318, MedGen C1857780, MONDO:0012432, OMIM 610188.
Meckel syndrome, type 4 (MKS4). Also called: MECKEL-GRUBER SYNDROME, TYPE 4. Identifiers: Orphanet 564, MedGen C1970161, MONDO:0012626, OMIM 611134.
Leber congenital amaurosis (LCA). Also called: Leber's amaurosis. Identifiers: Orphanet 65, MedGen C0339527, MeSH D057130, MONDO:0018998.

Allele frequency attached by ClinVar (database versions not stated): ExAC 0.00001; gnomAD exomes 0.00001.
gnomAD v4.1: 20 of 1,610,618 alleles (0.0012%); highest among the groups gnomAD compares: Non-Finnish European, 0.0017%; no homozygotes.

Submissions (7):

PreventionGenetics, part of Exact Sciences
Classification: Pathogenic for CEP290-related condition. Last evaluated: 2025-07-29. Review status: criteria provided, single submitter. Criteria: ACMG Guidelines, 2015. Collection method: clinical testing. Allele origin: germline.
Comment: The CEP290 c.5941G>T variant is predicted to result in premature protein termination (p.Glu1981*). This variant has been reported in individuals with the oculo-renal form of Joubert syndrome-related disorders, nephronophthisis-related ciliopathies, or Leber congenital amaurosis (Brancati et al. 2007. PubMed ID: 17564967; Table S5, Chaki et al. 2011. PubMed ID: 21866095; Sheck et al. 2018. PubMed ID: 29398085). This variant is reported in 0.0018% of alleles in individuals of European (Non-Finnish) descent in gnomAD. Nonsense variants in CEP290 are expected to be pathogenic. This variant is interpreted as pathogenic.

Myriad Genetics, Inc.
Classification: Pathogenic for CEP290-related ciliopathy. Last evaluated: 2025-03-02. Review status: criteria provided, single submitter. Criteria: Myriad Autosomal Dominant, Autosomal Recessive and X-Linked Classification Criteria (2023). Collection method: clinical testing. Allele origin: unknown.
Comment: NM_025114.3(CEP290):c.5941G>T(E1981*) is expected to be pathogenic in the context of CEP290-related disorders. This variant is predicted to lead to an abnormal or absent protein product due to the creation of a premature termination codon in CEP290, a gene where loss-of-function variants are known to be pathogenic. Please note: this variant was assessed in the context of healthy population screening.

Labcorp Genetics (formerly Invitae), Labcorp
Classification: Pathogenic for Joubert syndrome; Meckel-Gruber syndrome; Nephronophthisis. Last evaluated: 2024-09-05. Review status: criteria provided, single submitter. Criteria: Invitae Variant Classification Sherloc (09022015). Collection method: clinical testing. Allele origin: germline.
Comment: This sequence change creates a premature translational stop signal (p.Glu1981*) in the CEP290 gene. It is expected to result in an absent or disrupted protein product. Loss-of-function variants in CEP290 are known to be pathogenic (PMID: 16909394, 17345604, 20690115). This variant is present in population databases (rs767426153, gnomAD 0.0009%). This premature translational stop signal has been observed in individual(s) with Joubert syndrome–related disorders (PMID: 17564967). ClinVar contains an entry for this variant (Variation ID: 1075391). Algorithms developed to predict the effect of sequence changes on RNA splicing suggest that this variant may disrupt the consensus splice site. For these reasons, this variant has been classified as Pathogenic.

Blueprint Genetics
Classification: Pathogenic for CEP290-related disorders. Last evaluated: 2024-07-05. Review status: criteria provided, single submitter. Criteria: ACMG Guidelines, 2015. Collection method: clinical testing. Allele origin: germline. Affected: yes. Observed: 3 variant alleles.

Natera, Inc.
Classification: Pathogenic for Leber congenital amaurosis. Last evaluated: 2024-06-07. Review status: criteria provided, single submitter. Criteria: Natera Variant Classification Schema (03/2026). Collection method: clinical testing. Allele origin: germline.
Comment: The c.5941G>T variant in CEP290 is a nonsense variant predicted to introduce a stop codon at amino acid 1981. This variant is expected to result in nonsense mediated decay, truncation, or a dysfunctional protein product. This variant is rare in the general population with a frequency below the threshold expected for the associated phenotype(s). This variant has been observed in one or more individuals affected with the associated recessive disease, as either homozygous or compound heterozygous with a second variant (PMID: 17617513). Given the available evidence, this variant is classified as Pathogenic.

Fulgent Genetics
Classification: Likely pathogenic for Joubert syndrome 5; Senior-Loken syndrome 6; Meckel syndrome, type 4; Leber congenital amaurosis 10; Bardet-Biedl syndrome 14. Last evaluated: 2024-06-05. Review status: criteria provided, single submitter. Criteria: ACMG Guidelines, 2015. Collection method: clinical testing. Allele origin: germline.

Baylor Genetics
Classification: Pathogenic for Bardet-Biedl syndrome 14. Last evaluated: 2024-03-23. Review status: criteria provided, single submitter. Criteria: ACMG Guidelines, 2015. Collection method: clinical testing. Allele origin: unknown.

Literature cited by the submitters: PubMed 16909394 (cited by Labcorp Genetics (formerly Invitae), Labcorp); PubMed 17345604 (cited by Labcorp Genetics (formerly Invitae), Labcorp); PubMed 20690115 (cited by Labcorp Genetics (formerly Invitae), Labcorp); PubMed 17564967 (cited by Labcorp Genetics (formerly Invitae), Labcorp); PubMed 17617513 (cited by Natera, Inc.).

NM_025114.4(CEP290):c.5941G>T (p.Glu1981Ter)

Gene: CEP290 (centrosomal protein 290; minus strand). Cytogenetic location: 12q21.32.
Variant type: single nucleotide variant.
Coding change: c.5941G>T on transcript NM_025114.4 (MANE Select); coding-DNA position 5941, G replaced by T.
Protein change: p.Glu1981Ter; replaces glutamic acid 1981 with a stop codon.
Molecular consequence: nonsense.
Genome position (GRCh38, 1-based): chr12:88,071,364, C>A on the plus strand (G>T on the coding strand, the complement: CEP290 is on the minus strand). VCF-style: chr12-88071364-C-A. GRCh37 (hg19) VCF-style: chr12-88465141-C-A.
Other names: c.5941G>T (NM_025114.3); short protein forms E1981*.
Identifiers: ClinVar variation 1075391 (VCV001075391.16), dbSNP rs767426153, ClinGen allele CA6711612.
Genomic context (GRCh38, chr12:88,071,364, plus strand): 5'-ATATATCATTTTCTAAGTCAAGATTTCTCTTTTTTAATTCTTCCAATTCTTTTTCTGACT[C>A]CAAAGCTCGTATTCCCAAAACCTGATCAACAGTCATGCCAGTTGTTTTTAGTTTCCTCTG-3'